The following is an entry in ClinVar:

NM_000245.4(MET):c.597T>C (p.Asn199=)

Gene: MET (MET proto-oncogene, receptor tyrosine kinase; plus strand). Cytogenetic location: 7q31.2.
Variant type: single nucleotide variant.
Coding change: c.597T>C on transcript NM_000245.4 (MANE Select); coding-DNA position 597, T replaced by C.
Protein change: p.Asn199=; no amino-acid change (asparagine 199 retained).
Molecular consequence: synonymous variant. On other transcripts: intron variant (1).
Genome position (GRCh38, 1-based): chr7:116,699,681, T>C. VCF-style: chr7-116699681-T-C. GRCh37 (hg19) VCF-style: chr7-116339735-T-C.
Other names: c.597T>C, p.Asn199= (NM_001127500.3, NM_001324401.3); c.-91+27104T>C (NM_001324402.2); c.597T>C (NM_001127500.1).
Identifiers: ClinVar variation 1108566 (VCV001108566.11), dbSNP rs2116592884, ClinGen allele CA457447789.

ClinVar aggregate classification (germline): Benign/Likely benign. Review status: criteria provided, multiple submitters, no conflicts (2 of 4 stars). 3 submissions from 3 submitters: Benign (1); Likely benign (2). Last evaluated 2024-11-06.

Conditions:
Papillary renal cell carcinoma type 1 (RCCP1). Also called: RENAL CELL CARCINOMA, PAPILLARY, 1, SOMATIC; Renal adenocarcinoma; Renal cell carcinoma 1; Renal cell carcinoma, somatic. Identifiers: Orphanet 47044, MedGen C1336839, OMIM 605074, HP:0011797.
Renal cell carcinoma. Identifiers: Orphanet 217071, MedGen C0007134, MeSH D002292, MONDO:0005086, HP:0005584.
Hereditary cancer-predisposing syndrome. Also called: Tumor predisposition; Neoplastic Syndromes, Hereditary; Hereditary Cancer Syndrome; Hereditary neoplastic syndrome. Identifiers: Orphanet 140162, MedGen C0027672, MeSH D009386, MONDO:0015356.

Submissions (3):

Myriad Genetics, Inc.
Classification: Benign for Papillary renal cell carcinoma type 1. Last evaluated: 2024-11-06. Review status: criteria provided, single submitter. Criteria: Myriad Autosomal Dominant, Autosomal Recessive and X-Linked Classification Criteria (2023). Collection method: clinical testing. Allele origin: unknown.
Comment: This variant is considered benign. This variant is a silent/synonymous amino acid change and it is not expected to impact splicing.

Ambry Genetics
Classification: Likely benign for Hereditary cancer-predisposing syndrome. Last evaluated: 2024-07-17. Review status: criteria provided, single submitter. Criteria: Ambry Variant Classification Scheme 2023. Collection method: clinical testing. Allele origin: germline.

Labcorp Genetics (formerly Invitae), Labcorp
Classification: Likely benign for Renal cell carcinoma. Last evaluated: 2020-09-08. Review status: criteria provided, single submitter. Criteria: Invitae Variant Classification Sherloc (09022015). Collection method: clinical testing. Allele origin: germline.